The following is an entry in ClinVar:

NM_001939.3(DRP2):c.10A>G (p.Met4Val)

Gene: DRP2 (dystrophin related protein 2; plus strand). Cytogenetic location: Xq22.1.
Variant type: single nucleotide variant.
Coding change: c.10A>G on transcript NM_001939.3 (MANE Select); coding-DNA position 10, A replaced by G.
Protein change: p.Met4Val; replaces methionine 4 with valine.
Molecular consequence: missense variant. On other transcripts: intron variant (1).
Genome position (GRCh38, 1-based): chrX:101,231,657, A>G. VCF-style: chrX-101231657-A-G. GRCh37 (hg19) VCF-style: chrX-100486646-A-G.
Other names: c.-117-4203A>G (NM_001171184.2); short protein forms M4V.
Identifiers: ClinVar variation 1427871 (VCV001427871.6), dbSNP rs1369949523, ClinGen allele CA413908293.

ClinVar aggregate classification (germline): Uncertain significance (1 of 4 stars; one submission).

Allele frequency attached by ClinVar (database versions not stated): TOPMed below 0.00001; gnomAD exomes 0.00001.
gnomAD v4.1: 16 of 1,210,131 alleles (0.0013%); highest among the groups gnomAD compares: East Asian, 0.003%; no homozygotes.

Submission:

Labcorp Genetics (formerly Invitae), Labcorp
Classification: Uncertain significance. Last evaluated: 2022-09-28. Review status: criteria provided, single submitter. Criteria: Invitae Variant Classification Sherloc (09022015). Collection method: clinical testing. Allele origin: germline.
Comment: In summary, the available evidence is currently insufficient to determine the role of this variant in disease. Therefore, it has been classified as a Variant of Uncertain Significance. Advanced modeling of protein sequence and biophysical properties (such as structural, functional, and spatial information, amino acid conservation, physicochemical variation, residue mobility, and thermodynamic stability) performed at Invitae indicates that this missense variant is not expected to disrupt DRP2 protein function. ClinVar contains an entry for this variant (Variation ID: 1427871). This variant has not been reported in the literature in individuals affected with DRP2-related conditions. This variant is present in population databases (no rsID available, gnomAD 0.004%). This sequence change replaces methionine, which is neutral and non-polar, with valine, which is neutral and non-polar, at codon 4 of the DRP2 protein (p.Met4Val).